The following is an entry in ClinVar:

NM_015602.4(TOR1AIP1):c.1688G>T (p.Arg563Leu)

Gene: TOR1AIP1 (torsin 1A interacting protein 1; plus strand). Cytogenetic location: 1q25.2.
Variant type: single nucleotide variant.
Coding change: c.1688G>T on transcript NM_015602.4 (MANE Select); coding-DNA position 1688, G replaced by T.
Protein change: p.Arg563Leu; replaces arginine 563 with leucine.
Molecular consequence: missense variant.
Genome position (GRCh38, 1-based): chr1:179,918,175, G>T. VCF-style: chr1-179918175-G-T. GRCh37 (hg19) VCF-style: chr1-179887310-G-T.
Other names: c.1691G>T, p.Arg564Leu (NM_001267578.2); c.1688G>T (NM_015602.2); short protein forms R563L, R564L.
Identifiers: ClinVar variation 1972354 (VCV001972354.6), dbSNP rs748833315, ClinGen allele CA33689014.

ClinVar aggregate classification (germline): Uncertain significance. Review status: criteria provided, multiple submitters, no conflicts (2 of 4 stars). 2 submissions from 2 submitters: Uncertain significance (2). Last evaluated 2025-11-08.

Conditions:
Autosomal recessive limb-girdle muscular dystrophy type 2Y (MRRSDC). Also called: Muscular dystrophy, limb-girdle, type 2y; Muscular dystrophy, autosomal recessive, with rigid spine and distal joint contractures. Identifiers: Orphanet 424261, MedGen C4511482, MONDO:0014900, OMIM 617072.
Inborn genetic diseases. Identifiers: MedGen C0950123, MeSH D030342.

gnomAD v4.1: 2 of 1,611,730 alleles (0.00012%); highest among the groups gnomAD compares: African/African-American, 0.0027%; no homozygotes.

Submissions (2):

Ambry Genetics
Classification: Uncertain significance for Inborn genetic diseases. Last evaluated: 2025-11-08. Review status: criteria provided, single submitter. Criteria: Ambry Variant Classification Scheme 2023. Collection method: clinical testing. Allele origin: germline.

Labcorp Genetics (formerly Invitae), Labcorp
Classification: Uncertain significance for Autosomal recessive limb-girdle muscular dystrophy type 2Y. Last evaluated: 2021-12-16. Review status: criteria provided, single submitter. Criteria: Invitae Variant Classification Sherloc (09022015). Collection method: clinical testing. Allele origin: germline.
Comment: In summary, the available evidence is currently insufficient to determine the role of this variant in disease. Therefore, it has been classified as a Variant of Uncertain Significance. Algorithms developed to predict the effect of missense changes on protein structure and function are either unavailable or do not agree on the potential impact of this missense change (SIFT: "Deleterious"; PolyPhen-2: "Probably Damaging"; Align-GVGD: "Class C0"). This variant has not been reported in the literature in individuals affected with TOR1AIP1-related conditions. This variant is not present in population databases (gnomAD no frequency). This sequence change replaces arginine, which is basic and polar, with leucine, which is neutral and non-polar, at codon 564 of the TOR1AIP1 protein (p.Arg564Leu).